The following is an entry in ClinVar:

ClinVar aggregate classification (germline): Uncertain significance. Review status: criteria provided, single submitter (1 of 4 stars). 2 submissions from 2 submitters: Uncertain significance (1). 1 of the submissions does not count toward it. Last evaluated 2020-04-24.

Conditions:
ADCY3-related disorder. Also called: ADCY3-related condition.

gnomAD v4.1: 14 of 1,613,832 alleles (0.00087%); highest among the groups gnomAD compares: African/African-American, 0.004%; no homozygotes.

Submissions (2):

Blueprint Genetics
Classification: Uncertain significance. Last evaluated: 2020-04-24. Review status: criteria provided, single submitter. Criteria: ACMG Guidelines, 2015. Collection method: clinical testing. Allele origin: germline.

PreventionGenetics, part of Exact Sciences
Classification: Uncertain significance for ADCY3-related condition. Last evaluated: 2024-01-16. Review status: no assertion criteria provided. Collection method: clinical testing. Allele origin: germline. Not counted in ClinVar's aggregate classification.
Comment: The ADCY3 c.1892A>G variant is predicted to result in the amino acid substitution p.Gln631Arg. To our knowledge, this variant has not been reported in the literature or in a large population database, indicating this variant is rare. At this time, the clinical significance of this variant is uncertain due to the absence of conclusive functional and genetic evidence.

NM_004036.5(ADCY3):c.1892A>G (p.Gln631Arg)

Gene: ADCY3 (adenylate cyclase 3; minus strand). Cytogenetic location: 2p23.3.
Variant type: single nucleotide variant.
Coding change: c.1892A>G on transcript NM_004036.5 (MANE Select); coding-DNA position 1892, A replaced by G.
Protein change: p.Gln631Arg; replaces glutamine 631 with arginine.
Molecular consequence: missense variant.
Genome position (GRCh38, 1-based): chr2:24,834,560, T>C on the plus strand (A>G on the coding strand, the complement: ADCY3 is on the minus strand). VCF-style: chr2-24834560-T-C. GRCh37 (hg19) VCF-style: chr2-25057429-T-C.
Other names: c.1892A>G, p.Gln631Arg (NM_001320613.2, NM_001377129.1, NM_001377130.1 and 1 more transcripts); c.1958A>G, p.Gln653Arg (NM_001377128.1); c.1169A>G, p.Gln390Arg (NM_001377131.1); short protein forms Q390R, Q631R, Q653R.
Identifiers: ClinVar variation 3353784 (VCV003353784.2).